The following is an entry in ClinVar:

NM_004531.5(MOCS2):c.514G>C (p.Glu172Gln)

Gene: MOCS2 (molybdenum cofactor synthesis 2; minus strand). Cytogenetic location: 5q11.2.
Variant type: single nucleotide variant.
Coding change: c.514G>C on transcript NM_004531.5 (MANE Select); coding-DNA position 514, G replaced by C.
Protein change: p.Glu172Gln; replaces glutamic acid 172 with glutamine.
Molecular consequence: missense variant. On other transcripts: 3 prime UTR variant (1).
Genome position (GRCh38, 1-based): chr5:53,098,655, C>G on the plus strand (G>C on the coding strand, the complement: MOCS2 is on the minus strand). VCF-style: chr5-53098655-C-G. GRCh37 (hg19) VCF-style: chr5-52394485-C-G.
Other names: c.*434G>C (NM_176806.4); short protein forms E172Q.
Identifiers: ClinVar variation 1475527 (VCV001475527.6), dbSNP rs1246273723, ClinGen allele CA359692657.

ClinVar aggregate classification (germline): Uncertain significance (1 of 4 stars; one submission).

Allele frequency attached by ClinVar (database versions not stated): gnomAD exomes below 0.00001.

Submission:

Labcorp Genetics (formerly Invitae), Labcorp
Classification: Uncertain significance. Last evaluated: 2022-08-16. Review status: criteria provided, single submitter. Criteria: Invitae Variant Classification Sherloc (09022015). Collection method: clinical testing. Allele origin: germline.
Comment: In summary, the available evidence is currently insufficient to determine the role of this variant in disease. Therefore, it has been classified as a Variant of Uncertain Significance. Algorithms developed to predict the effect of missense changes on protein structure and function (SIFT, PolyPhen-2, Align-GVGD) all suggest that this variant is likely to be tolerated. ClinVar contains an entry for this variant (Variation ID: 1475527). This variant has not been reported in the literature in individuals affected with MOCS2B-related conditions. This variant is present in population databases (no rsID available, gnomAD 0.003%). This sequence change replaces glutamic acid, which is acidic and polar, with glutamine, which is neutral and polar, at codon 172 of the MOCS2B protein (p.Glu172Gln).